The following is an entry in ClinVar:

NM_000163.5(GHR):c.757del (p.Gln253fs)

Gene: GHR (growth hormone receptor; plus strand). Cytogenetic location: 5p12.
Variant type: Deletion.
Coding change: c.757del on transcript NM_000163.5 (MANE Select); coding-DNA position 757, one base deleted (C; older notation c.757delC).
Protein change: p.Gln253fs; shifts the reading frame from glutamine 253.
Molecular consequence: frameshift variant.
Genome position (GRCh38, 1-based): chr5:42,711,345, C deleted. VCF-style (leftmost placement, unchanged base first): chr5-42711344-TC-T. GRCh37 (hg19) VCF-style: chr5-42711446-TC-T.
Other names: c.778del, p.Gln260fs (NM_001242399.2); c.757del, p.Gln253fs (NM_001242400.2, NM_001242401.4, NM_001242402.2 and 5 more transcripts); c.691delC, p.Gln231Argfs (NM_001242460.2); short protein forms Q231fs, Q253fs, Q260fs.
Identifiers: ClinVar variation 1393273 (VCV001393273.6), dbSNP rs2111818610, ClinGen allele CA2573139698.

ClinVar aggregate classification (germline): Pathogenic (1 of 4 stars; one submission).

Submission:

Labcorp Genetics (formerly Invitae), Labcorp
Classification: Pathogenic. Last evaluated: 2021-07-21. Review status: criteria provided, single submitter. Criteria: Invitae Variant Classification Sherloc (09022015). Collection method: clinical testing. Allele origin: germline.
Comment: For these reasons, this variant has been classified as Pathogenic. This sequence change creates a premature translational stop signal (p.Gln253Argfs*2) in the GHR gene. It is expected to result in an absent or disrupted protein product. Loss-of-function variants in GHR are known to be pathogenic (PMID: 1999489, 8488849). This variant is not present in population databases (ExAC no frequency). This variant has not been reported in the literature in individuals affected with GHR-related conditions.

Literature cited by the submitters: PubMed 1999489; PubMed 8488849.